The following is an entry in ClinVar:

NM_000553.6(WRN):c.3649G>A (p.Glu1217Lys)

Gene: WRN (WRN RecQ like helicase; plus strand). Cytogenetic location: 8p12.
Variant type: single nucleotide variant.
Coding change: c.3649G>A on transcript NM_000553.6 (MANE Select); coding-DNA position 3649, G replaced by A.
Protein change: p.Glu1217Lys; replaces glutamic acid 1217 with lysine.
Molecular consequence: missense variant.
Genome position (GRCh38, 1-based): chr8:31,150,417, G>A. VCF-style: chr8-31150417-G-A. GRCh37 (hg19) VCF-style: chr8-31007933-G-A.
Other names: short protein forms E1217K.
Identifiers: ClinVar variation 863134 (VCV000863134.5), dbSNP rs376485135, ClinGen allele CA4705140.

ClinVar aggregate classification (germline): Uncertain significance (1 of 4 stars; one submission).

Conditions:
Werner syndrome (WRN). Identifiers: Orphanet 902, MedGen C0043119, MONDO:0010196, OMIM 277700.

Allele frequency attached by ClinVar (database versions not stated): gnomAD exomes below 0.00001; ExAC 0.00001; gnomAD 0.00001; TOPMed 0.00001; ESP Exome Variant Server 0.00008.
gnomAD v4.1: 8 of 1,614,144 alleles (0.0005%); highest among the groups gnomAD compares: African/African-American, 0.0013%; no homozygotes.

Submission:

Labcorp Genetics (formerly Invitae), Labcorp
Classification: Uncertain significance for Werner syndrome. Last evaluated: 2025-11-17. Review status: criteria provided, single submitter. Criteria: Invitae Variant Classification Sherloc (09022015). Collection method: clinical testing. Allele origin: germline.
Comment: This sequence change replaces glutamic acid, which is acidic and polar, with lysine, which is basic and polar, at codon 1217 of the WRN protein (p.Glu1217Lys). This variant is present in population databases (rs376485135, gnomAD 0.007%). This variant has not been reported in the literature in individuals affected with WRN-related conditions. ClinVar contains an entry for this variant (Variation ID: 863134). An algorithm developed to predict the effect of missense changes on protein structure and function (PolyPhen-2) suggests that this variant is likely to be disruptive. In summary, the available evidence is currently insufficient to determine the role of this variant in disease. Therefore, it has been classified as a Variant of Uncertain Significance.